The following is an entry in ClinVar:

NM_080632.3(UPF3B):c.846+1G>A

Gene: UPF3B (UPF3B regulator of nonsense mediated mRNA decay; minus strand). Cytogenetic location: Xq24.
Variant type: single nucleotide variant.
Coding change: c.846+1G>A on transcript NM_080632.3 (MANE Select); the canonical splice donor site of the intron after coding-DNA position 846, G replaced by A.
Molecular consequence: splice donor variant. On other transcripts: intron variant (1).
Genome position (GRCh38, 1-based): chrX:119,840,645, C>T on the plus strand (G>A on the coding strand, the complement: UPF3B is on the minus strand). VCF-style: chrX-119840645-C-T. GRCh37 (hg19) VCF-style: chrX-118974608-C-T.
Other names: c.807+431G>A (NM_023010.4).
Identifiers: ClinVar variation 985355 (VCV000985355.7), dbSNP rs373920032, ClinGen allele CA10503255.

ClinVar aggregate classification (germline): Conflicting classifications of pathogenicity. Review status: criteria provided, conflicting classifications (1 of 4 stars). 4 submissions from 4 submitters: Likely pathogenic (1); Uncertain significance (3). Last evaluated 2025-02-01.

Conditions:
Intellectual developmental disorder, X-linked, syndromic 14. Also called: Syndromic X-linked intellectual disability 14. Identifiers: Orphanet 776, MedGen C1970822, MONDO:0010398, OMIM 300676.
Inborn genetic diseases. Identifiers: MedGen C0950123, MeSH D030342.

Allele frequency attached by ClinVar (database versions not stated): TOPMed 0.00001; gnomAD exomes 0.00001; ExAC 0.00001; ESP Exome Variant Server 0.00009.
gnomAD v4.1: 12 of 1,208,671 alleles (0.00099%); highest among the groups gnomAD compares: Non-Finnish European, 0.0013%; no homozygotes.

Submissions (4):

Labcorp Genetics (formerly Invitae), Labcorp
Classification: Likely pathogenic for Intellectual developmental disorder, X-linked, syndromic 14. Last evaluated: 2025-02-01. Review status: criteria provided, single submitter. Criteria: Invitae Variant Classification Sherloc (09022015). Collection method: clinical testing. Allele origin: germline.
Comment: This sequence change affects a donor splice site in intron 8 of the UPF3B gene. It is expected to disrupt RNA splicing. Variants that disrupt the donor or acceptor splice site typically lead to a loss of protein function (PMID: 16199547), and loss-of-function variants in UPF3B are known to be pathogenic (PMID: 17704778, 19238151). The frequency data for this variant in the population databases is considered unreliable, as metrics indicate poor data quality at this position in the gnomAD database. Disruption of this splice site has been observed in individual(s) with intellectual disability (PMID: 28708303). ClinVar contains an entry for this variant (Variation ID: 985355). In summary, the currently available evidence indicates that the variant is pathogenic, but additional data are needed to prove that conclusively. Therefore, this variant has been classified as Likely Pathogenic.

Fulgent Genetics
Classification: Uncertain significance for Intellectual developmental disorder, X-linked, syndromic 14. Last evaluated: 2024-04-29. Review status: criteria provided, single submitter. Criteria: ACMG Guidelines, 2015. Collection method: clinical testing. Allele origin: germline.

Victorian Clinical Genetics Services, Murdoch Childrens Research Institute
Classification: Uncertain significance for Intellectual developmental disorder, X-linked, syndromic 14. Last evaluated: 2023-07-17. Review status: criteria provided, single submitter. Criteria: ACMG Guidelines, 2015. Collection method: clinical testing. Allele origin: germline. Inheritance: X-linked recessive inheritance. Affected: yes.
Comment: Based on the classification scheme VCGS_Germline_v1.3.4, this variant is classified as VUS-3A. Following criteria are met: 0102 - Loss of function is a known mechanism of disease in this gene and is associated with intellectual developmental disorder, X-linked syndromic 14 (MIM#300676). (I) 0109 - This gene is associated with X-linked recessive disease. (I) 0211 - Canonical splice site variant without proven consequence on splicing (no functional evidence available). (SP) 0219 - This variant is non-coding in an alternative transcript. This variant is in a canonical splice position in the ClinVar predominant transcript, but is deep intronic in another transcript that is expressed higher (GTex, UCSC). (I) 0253 - This variant is hemizygous. (I) 0304 - Variant is present in gnomAD (v2) <0.01 for a recessive condition (0 heterozygotes, 0 homozygotes, 1 hemizygote). (SP) 0508 - In silico predictions for abnormal splicing are conflicting. (I) 0705 - No comparable splice variants have previous evidence for pathogenicity. (I) 0809 - Previous evidence of pathogenicity for this variant is inconclusive. In this individual, the variant was maternally inherited (PMID: 28708303, ClinVar). (I) 0905 - No published segregation evidence has been identified for this variant. (I) 1007 - No published functional evidence has been identified for this variant. (I) Legend: (SP) - Supporting pathogenic, (I) - Information, (SB) - Supporting benign

Ambry Genetics
Classification: Uncertain significance for Inborn genetic diseases. Last evaluated: 2019-05-08. Review status: criteria provided, single submitter. Criteria: Ambry exome assertion method (8-5-2015). Collection method: clinical testing. Allele origin: germline. Affected: yes. Observed: 1 variant allele.

Literature cited by the submitters: PubMed 16199547 (cited by Labcorp Genetics (formerly Invitae), Labcorp); PubMed 17704778 (cited by Labcorp Genetics (formerly Invitae), Labcorp); PubMed 19238151 (cited by Labcorp Genetics (formerly Invitae), Labcorp); PubMed 28708303 (cited by Labcorp Genetics (formerly Invitae), Labcorp and Victorian Clinical Genetics Services, Murdoch Childrens Research Institute).